The following is an entry in ClinVar:

NM_001040108.2(MLH3):c.1244C>T (p.Thr415Ile)

Gene: MLH3 (mutL homolog 3; minus strand). Cytogenetic location: 14q24.3.
Variant type: single nucleotide variant.
Coding change: c.1244C>T on transcript NM_001040108.2 (MANE Select); coding-DNA position 1244, C replaced by T.
Protein change: p.Thr415Ile; replaces threonine 415 with isoleucine.
Molecular consequence: missense variant.
Genome position (GRCh38, 1-based): chr14:75,048,412, G>A on the plus strand (C>T on the coding strand, the complement: MLH3 is on the minus strand). VCF-style: chr14-75048412-G-A. GRCh37 (hg19) VCF-style: chr14-75515115-G-A.
Other names: c.1244C>T, p.Thr415Ile (NM_014381.3); short protein forms T415I.
Identifiers: ClinVar variation 3232430 (VCV003232430.1), dbSNP rs2139587680, ClinGen allele CA390446845.

ClinVar aggregate classification (germline): Uncertain significance (1 of 4 stars; one submission).

Submission:

Ambry Genetics
Classification: Uncertain significance. Last evaluated: 2024-02-25. Review status: criteria provided, single submitter. Criteria: Ambry Variant Classification Scheme 2023. Collection method: clinical testing. Allele origin: germline.
Comment: The p.T415I variant (also known as c.1244C>T), located in coding exon 1 of the MLH3 gene, results from a C to T substitution at nucleotide position 1244. The threonine at codon 415 is replaced by isoleucine, an amino acid with similar properties. This amino acid position is conserved. In addition, this alteration is predicted to be tolerated by in silico analysis. Based on the available evidence, the clinical significance of this alteration remains unclear.